The following is an entry in ClinVar:

ClinVar aggregate classification (germline): Uncertain significance (1 of 4 stars; one submission).

Submission:

GeneDx
Classification: Uncertain significance. Last evaluated: 2022-12-23. Review status: criteria provided, single submitter. Criteria: GeneDx Variant Classification Process June 2021. Collection method: clinical testing. Allele origin: germline. Affected: yes.
Comment: Not observed at significant frequency in large population cohorts (gnomAD); In silico analysis is inconclusive as to whether the variant alters gene splicing. In the absence of RNA/functional studies, the actual effect of this sequence change is unknown.; Has not been previously published as pathogenic or benign to our knowledge

NM_138694.4(PKHD1):c.3628+6T>C

Gene: PKHD1 (PKHD1 ciliary IPT domain containing fibrocystin/polyductin; minus strand). Cytogenetic location: 6p12.2.
Variant type: single nucleotide variant.
Coding change: c.3628+6T>C on transcript NM_138694.4 (MANE Select); 6 bases into the intron after coding-DNA position 3628, T replaced by C.
Molecular consequence: intron variant.
Genome position (GRCh38, 1-based): chr6:52,027,823, A>G on the plus strand (T>C on the coding strand, the complement: PKHD1 is on the minus strand). VCF-style: chr6-52027823-A-G. GRCh37 (hg19) VCF-style: chr6-51892621-A-G.
Other names: c.3628+6T>C (NM_170724.3).
Identifiers: ClinVar variation 2506853 (VCV002506853.1), dbSNP rs2532775926, ClinGen allele CA2580617260.